The following is an entry in ClinVar:

ClinVar aggregate classification (germline): Conflicting classifications of pathogenicity. Review status: criteria provided, conflicting classifications (1 of 4 stars). 8 submissions from 8 submitters: Uncertain significance (4); Likely benign (4). Last evaluated 2026-07-13.

Conditions:
TTN-related disorder. Also called: TTN-related condition; TTN-related disease; TTN-related disorders.
Cardiovascular phenotype. Identifiers: MedGen CN230736.
Autosomal recessive limb-girdle muscular dystrophy type 2J (LGMDR10). Also called: MUSCULAR DYSTROPHY, LIMB-GIRDLE, AUTOSOMAL RECESSIVE 10; Limb-girdle muscular dystrophy, type 2J. Identifiers: Orphanet 140922, MedGen C1837342, MONDO:0012127, OMIM 608807.
Dilated cardiomyopathy 1G (CMD1G). Identifiers: Orphanet 154, MedGen C1858763, MONDO:0011400, OMIM 604145.

Allele frequency attached by ClinVar (database versions not stated): gnomAD exomes 0.00008; ExAC 0.00011; ESP Exome Variant Server 0.00031; gnomAD 0.00035 and 0.00036; TOPMed 0.00042.
gnomAD v4.1: 102 of 1,614,062 alleles (0.0063%); highest among the groups gnomAD compares: African/African-American, 0.13%; no homozygotes.

Submissions (8):

PreventionGenetics, part of Exact Sciences
Classification: Uncertain significance for TTN-related condition. Last evaluated: 2026-07-13. Review status: criteria provided, single submitter. Criteria: ACMG Guidelines, 2015. Collection method: clinical testing. Allele origin: germline.
Comment: The TTN c.2599A>G variant is predicted to result in the amino acid substitution p.Ser867Gly. This variant has been reported in an individual with atrial fibrillation (Table S1, Pavel et al. 2026. PubMed ID: 41569083). However, this variant is reported in 0.13% of alleles in individuals of African descent in gnomAD, which may be too frequent to be a primary cause of disease. Although we suspect that this variant may be benign, at this time, the clinical significance of this variant is uncertain due to the absence of conclusive functional and genetic evidence.

Labcorp Genetics (formerly Invitae), Labcorp
Classification: Likely benign for Dilated cardiomyopathy 1G; Autosomal recessive limb-girdle muscular dystrophy type 2J. Last evaluated: 2026-01-25. Review status: criteria provided, single submitter. Criteria: Invitae Variant Classification Sherloc (09022015). Collection method: clinical testing. Allele origin: germline.

Blueprint Genetics
Classification: Likely benign. Last evaluated: 2024-11-13. Review status: criteria provided, single submitter. Criteria: ACMG Guidelines, 2015. Collection method: clinical testing. Allele origin: germline.

Women's Health and Genetics/Laboratory Corporation of America, LabCorp
Classification: Uncertain significance. Last evaluated: 2024-06-24. Review status: criteria provided, single submitter. Criteria: LabCorp Variant Classification Summary - May 2015. Collection method: clinical testing. Allele origin: germline.
Comment: Variant summary: TTN c.2599A>G (p.Ser867Gly) results in a non-conservative amino acid change located in the near Z-disk of the encoded protein sequence. Two of three in-silico tools predict a benign effect of the variant on protein function. The variant allele was found at a frequency of 8.4e-05 in 251190 control chromosomes. This frequency is not significantly higher than estimated for a pathogenic variant in TTN causing Limb-Girdle Muscular Dystrophy, Type 2J, allowing no conclusion about variant significance. To our knowledge, no occurrence of c.2599A>G in individuals affected with Limb-Girdle Muscular Dystrophy, Type 2J and no experimental evidence demonstrating its impact on protein function have been reported. ClinVar contains an entry for this variant (Variation ID: 263595). Based on the evidence outlined above, the variant was classified as uncertain significance.

GeneDx
Classification: Likely benign. Last evaluated: 2020-10-07. Review status: criteria provided, single submitter. Criteria: GeneDx Variant Classification Process June 2021. Collection method: clinical testing. Allele origin: germline. Affected: yes.

Ambry Genetics
Classification: Likely benign for Cardiovascular phenotype. Last evaluated: 2020-05-29. Review status: criteria provided, single submitter. Criteria: Ambry Autosomal Dominant and X-Linked criteria (2/2020). Collection method: clinical testing. Allele origin: germline. Observed: 1 variant allele.
Comment: In silico models in agreement (benign);Subpopulation frequency in support of benign classification

Revvity Omics, Revvity
Classification: Uncertain significance. Last evaluated: 2019-10-29. Review status: criteria provided, single submitter. Criteria: ACMG Guidelines, 2015. Collection method: clinical testing. Allele origin: germline.

Eurofins Ntd Llc (ga)
Classification: Uncertain significance. Last evaluated: 2017-06-27. Review status: criteria provided, single submitter. Criteria: EGL Classification Definitions 2015. Collection method: clinical testing. Allele origin: germline. Observed: 3 variant alleles, 3 heterozygotes.

NM_001267550.2(TTN):c.2599A>G (p.Ser867Gly)

Gene: TTN (titin; minus strand). Cytogenetic location: 2q31.2.
Variant type: single nucleotide variant.
Coding change: c.2599A>G on transcript NM_001267550.2 (MANE Select); coding-DNA position 2599, A replaced by G.
Protein change: p.Ser867Gly; replaces serine 867 with glycine.
Molecular consequence: missense variant.
Genome position (GRCh38, 1-based): chr2:178,784,246, T>C on the plus strand (A>G on the coding strand, the complement: TTN is on the minus strand). VCF-style: chr2-178784246-T-C. GRCh37 (hg19) VCF-style: chr2-179648973-T-C.
Other names: c.2599A>G, p.Ser867Gly (NM_001256850.1, NM_133378.4, NM_133379.5); c.2461A>G, p.Ser821Gly (NM_003319.4, NM_133432.3, NM_133437.4); short protein forms S867G, S821G.
Identifiers: ClinVar variation 263595 (VCV000263595.27), dbSNP rs148631577, ClinGen allele CA2005779.